The following is an entry in ClinVar:

NM_001386298.1(CIC):c.5426-9_5426-5del

Gene: CIC (capicua transcriptional repressor; plus strand). Cytogenetic location: 19q13.2.
Variant type: Deletion.
Coding change: c.5426-9_5426-5del on transcript NM_001386298.1 (MANE Select); 9 bases into the intron before coding-DNA position 5426 through 5 bases into the intron before coding-DNA position 5426, 5 bases deleted (AACTT; older notation c.5426-9_5426-5delAACTT).
Molecular consequence: intron variant.
Genome position (GRCh38, 1-based): chr19:42,291,549-42,291,553, AACTT deleted; deleting any 5 consecutive bases within chr19:42,291,546-42,291,553 gives the same sequence; the c. name uses the placement nearest the transcript's 3' end. VCF-style (leftmost placement, unchanged base first): chr19-42291545-TCTTAA-T. GRCh37 (hg19) VCF-style: chr19-42795697-TCTTAA-T.
Other names: c.5426-9_5426-5del (NM_001304815.2, NM_001379482.1, NM_001379480.1); c.2699-9_2699-5del (NM_015125.5, NM_001379484.1, NM_001379485.1).
Identifiers: ClinVar variation 3032285 (VCV003032285.2), dbSNP rs761453158, ClinGen allele CA9472339.

ClinVar aggregate classification (germline): Likely benign (0 of 4 stars; one submission).

Conditions:
CIC-related disorder. Also called: CIC-related condition.

Submission:

PreventionGenetics, part of Exact Sciences
Classification: Likely benign for CIC-related condition. Last evaluated: 2021-08-26. Review status: no assertion criteria provided. Collection method: clinical testing. Allele origin: germline.
Comment: This variant is classified as likely benign based on ACMG/AMP sequence variant interpretation guidelines (Richards et al. 2015 PMID: 25741868, with internal and published modifications).